The following is an entry in ClinVar:

ClinVar aggregate classification (germline): Uncertain significance. Review status: criteria provided, multiple submitters, no conflicts (2 of 4 stars). 3 submissions from 3 submitters: Uncertain significance (3). Last evaluated 2025-01-31.

Conditions:
Hereditary breast ovarian cancer syndrome. Also called: Breast and ovarian cancer; Hereditary breast and ovarian cancer; Hereditary breast and/or ovarian cancer syndrome; BRCA1- and BRCA2-Associated Hereditary Breast and Ovarian Cancer; Hereditary breast and ovarian cancer syndrome; Hereditary breast and ovarian cancer syndrome (HBOC). Identifiers: Orphanet 145, MedGen C0677776, MeSH D061325, MONDO:0003582. Disease mechanism: loss of function.
Hereditary cancer-predisposing syndrome. Also called: Tumor predisposition; Hereditary neoplastic syndrome; Neoplastic Syndromes, Hereditary; Hereditary Cancer Syndrome. Identifiers: Orphanet 140162, MedGen C0027672, MeSH D009386, MONDO:0015356.

Allele frequency attached by ClinVar (database versions not stated): gnomAD exomes below 0.00001.
gnomAD v4.1: 1 of 1,613,954 alleles (0.000062%); highest among the groups gnomAD compares: South Asian, 0.0011%; no homozygotes.

Submissions (3):

Ambry Genetics
Classification: Uncertain significance for Hereditary cancer-predisposing syndrome. Last evaluated: 2025-01-31. Review status: criteria provided, single submitter. Criteria: Ambry Variant Classification Scheme 2023. Collection method: clinical testing. Allele origin: germline.
Comment: The p.P2767L variant (also known as c.8300C>T), located in coding exon 17 of the BRCA2 gene, results from a C to T substitution at nucleotide position 8300. The proline at codon 2767 is replaced by leucine, an amino acid with similar properties. This amino acid position is highly conserved in available vertebrate species. In addition, this alteration is predicted to be deleterious by in silico analysis. Based on the available evidence, the clinical significance of this variant remains unclear.

GeneDx
Classification: Uncertain significance. Last evaluated: 2020-03-16. Review status: criteria provided, single submitter. Criteria: GeneDx Variant Classification Process June 2021. Collection method: clinical testing. Allele origin: germline. Affected: yes.
Comment: Not observed at a significant frequency in large population cohorts (Lek 2016); In silico analysis supports that this missense variant has a deleterious effect on protein structure/function; Has not been previously published as pathogenic or benign to our knowledge

Labcorp Genetics (formerly Invitae), Labcorp
Classification: Uncertain significance for Hereditary breast ovarian cancer syndrome. Last evaluated: 2019-01-15. Review status: criteria provided, single submitter. Criteria: Invitae Variant Classification Sherloc (09022015). Collection method: clinical testing. Allele origin: germline.
Comment: This sequence change replaces proline with leucine at codon 2767 of the BRCA2 protein (p.Pro2767Leu). The proline residue is highly conserved and there is a moderate physicochemical difference between proline and leucine. This variant is not present in population databases (ExAC no frequency). This variant has not been reported in the literature in individuals with BRCA2-related conditions. Algorithms developed to predict the effect of missense changes on protein structure and function (SIFT, PolyPhen-2, Align-GVGD) all suggest that this variant is likely to be disruptive, but these predictions have not been confirmed by published functional studies and their clinical significance is uncertain. In summary, the available evidence is currently insufficient to determine the role of this variant in disease. Therefore, it has been classified as a Variant of Uncertain Significance.

NM_000059.4(BRCA2):c.8300C>T (p.Pro2767Leu)

Gene: BRCA2 (BRCA2 DNA repair associated; plus strand). Cytogenetic location: 13q13.1.
Variant type: single nucleotide variant.
Coding change: c.8300C>T on transcript NM_000059.4 (MANE Select); coding-DNA position 8300, C replaced by T.
Protein change: p.Pro2767Leu; replaces proline 2767 with leucine.
Molecular consequence: missense variant.
Genome position (GRCh38, 1-based): chr13:32,363,502, C>T. VCF-style: chr13-32363502-C-T. GRCh37 (hg19) VCF-style: chr13-32937639-C-T.
Other names: short protein forms P2767L.
Identifiers: ClinVar variation 845026 (VCV000845026.14), dbSNP rs397507401, ClinGen allele CA387750169.